The following is an entry in ClinVar:

ClinVar aggregate classification (germline): Uncertain significance (1 of 4 stars; one submission).

Submission:

GeneDx
Classification: Uncertain significance. Last evaluated: 2022-06-13. Review status: criteria provided, single submitter. Criteria: GeneDx Variant Classification Process June 2021. Collection method: clinical testing. Allele origin: germline. Affected: yes.
Comment: Not observed at significant frequency in large population cohorts (gnomAD); In-frame deletion of 1 amino acids in a non-repeat region; In silico analysis supports a deleterious effect on protein structure/function; Has not been previously published as pathogenic or benign to our knowledge

NM_001122955.4(BSCL2):c.618TTC[1] (p.Ser208del)

Genes: BSCL2 (BSCL2 lipid droplet biogenesis associated, seipin; minus strand), HNRNPUL2-BSCL2 (HNRNPUL2-BSCL2 readthrough (NMD candidate); minus strand). Cytogenetic location: 11q12.3.
Variant type: Microsatellite.
Coding change: c.618TTC[1] on transcript NM_001122955.4 (MANE Select); one copy of the 3-base unit TTC starting at c.618; the reference has two copies in a row; one copy, 3 bases deleted.
Protein change: p.Ser208del; deletes serine 208.
Molecular consequence: inframe deletion. On other transcripts: non-coding transcript variant (1).
Genome position (GRCh38, 1-based): chr11:62,694,575-62,694,577, GAA deleted on the plus strand (TTC on the coding strand, the reverse complement: BSCL2 is on the minus strand); deleting any 3 consecutive bases within chr11:62,694,575-62,694,581 gives the same sequence; the position shown is the placement nearest the transcript's 3' end. VCF-style (leftmost placement, unchanged base first): chr11-62694574-CGAA-C. GRCh37 (hg19) VCF-style: chr11-62462046-CGAA-C.
Other names: c.426TTC[1], p.Ser144del (NM_001130702.2, NM_032667.6); c.618TTC[1], p.Ser208del (NM_001386027.1, NM_001386028.1); c.429_431del (NM_032667.6); short protein forms S144del, S208del.
Identifiers: ClinVar variation 1804458 (VCV001804458.1), dbSNP rs2539154546, ClinGen allele CA2580615709.